The following is an entry in ClinVar:

ClinVar aggregate classification (germline): Benign/Likely benign. Review status: criteria provided, multiple submitters, no conflicts (2 of 4 stars). 6 submissions from 6 submitters: Benign (1); Likely benign (4). 1 of the submissions does not count toward it. Last evaluated 2025-09-14.

Conditions:
DICER1-related disorder. Also called: DICER1-related condition.
DICER1-related tumor predisposition. Also called: DICER1 syndrome; DICER1-related pleuropulmonary blastoma cancer predisposition syndrome. Identifiers: Orphanet 284343, MedGen C3839822, MONDO:0100216.
Hereditary cancer-predisposing syndrome. Also called: Neoplastic Syndromes, Hereditary; Tumor predisposition; Hereditary neoplastic syndrome; Hereditary Cancer Syndrome. Identifiers: Orphanet 140162, MedGen C0027672, MeSH D009386, MONDO:0015356.

Allele frequency attached by ClinVar (database versions not stated): TOPMed below 0.00001; gnomAD 0.00001 and 0.00002; gnomAD exomes 0.00001 and 0.00006; ExAC 0.00006; 1000 Genomes Project 30x 0.00016; 1000 Genomes Project 0.00020.
gnomAD v4.1: 27 of 1,614,028 alleles (0.0017%); highest among the groups gnomAD compares: East Asian, 0.047%; no homozygotes.

Submissions (6):

Labcorp Genetics (formerly Invitae), Labcorp
Classification: Likely benign for DICER1-related tumor predisposition. Last evaluated: 2025-09-14. Review status: criteria provided, single submitter. Criteria: Invitae Variant Classification Sherloc (09022015). Collection method: clinical testing. Allele origin: germline.

Quest Diagnostics Nichols Institute San Juan Capistrano
Classification: Likely benign. Last evaluated: 2022-11-18. Review status: criteria provided, single submitter. Criteria: Quest Diagnostics criteria. Collection method: clinical testing. Allele origin: unknown.

Sema4
Classification: Likely benign for Hereditary cancer-predisposing syndrome. Last evaluated: 2021-11-04. Review status: criteria provided, single submitter. Criteria: Sema4 Curation Guidelines. Collection method: curation. Allele origin: germline.

Ambry Genetics
Classification: Likely benign for Hereditary cancer-predisposing syndrome. Last evaluated: 2018-06-20. Review status: criteria provided, single submitter. Criteria: Ambry Variant Classification Scheme 2023. Collection method: clinical testing. Allele origin: germline.

Illumina Laboratory Services, Illumina
Classification: Benign for Pleuropulmonary blastoma. Last evaluated: 2018-01-13. Review status: criteria provided, single submitter. Criteria: ICSL Variant Classification Criteria 13 December 2019. Collection method: clinical testing. Allele origin: germline.
Comment: This variant was observed in the ICSL laboratory as part of a predisposition screen in an ostensibly healthy population. It had not been previously curated by ICSL or reported in the Human Gene Mutation Database (HGMD: prior to June 1st, 2018), and was therefore a candidate for classification through an automated scoring system. Utilizing variant allele frequency, disease prevalence and penetrance estimates, and inheritance mode, an automated score was calculated to assess if this variant is too frequent to cause the disease. Based on the score and internal cut-off values, a variant classified as benign is not then subjected to further curation. The score for this variant resulted in a classification of benign for this disease.

PreventionGenetics, part of Exact Sciences
Classification: Likely benign for DICER1-related condition. Last evaluated: 2024-03-19. Review status: no assertion criteria provided. Collection method: clinical testing. Allele origin: germline. Not counted in ClinVar's aggregate classification.
Comment: This variant is classified as likely benign based on ACMG/AMP sequence variant interpretation guidelines (Richards et al. 2015 PMID: 25741868, with internal and published modifications).

NM_177438.3(DICER1):c.1681A>G (p.Ile561Val)

Gene: DICER1 (dicer 1, ribonuclease III; minus strand). Cytogenetic location: 14q32.13.
Variant type: single nucleotide variant.
Coding change: c.1681A>G on transcript NM_177438.3 (MANE Select); coding-DNA position 1681, A replaced by G.
Protein change: p.Ile561Val; replaces isoleucine 561 with valine.
Molecular consequence: missense variant.
Genome position (GRCh38, 1-based): chr14:95,116,524, T>C on the plus strand (A>G on the coding strand, the complement: DICER1 is on the minus strand). VCF-style: chr14-95116524-T-C. GRCh37 (hg19) VCF-style: chr14-95582861-T-C.
Other names: c.1681A>G, p.Ile561Val (NM_001195573.1, NM_001271282.3, NM_001291628.2 and 1 more transcripts); short protein forms I561V.
Identifiers: ClinVar variation 242047 (VCV000242047.23), dbSNP rs147493562, ClinGen allele CA7331442.